The following is an entry in ClinVar:

ClinVar aggregate classification (germline): Uncertain significance (1 of 4 stars; one submission).

Submission:

Labcorp Genetics (formerly Invitae), Labcorp
Classification: Uncertain significance. Last evaluated: 2023-10-03. Review status: criteria provided, single submitter. Criteria: Invitae Variant Classification Sherloc (09022015). Collection method: clinical testing. Allele origin: germline.
Comment: This sequence change falls in intron 9 of the ARFGEF2 gene. It does not directly change the encoded amino acid sequence of the ARFGEF2 protein. This variant is not present in population databases (gnomAD no frequency). This variant has not been reported in the literature in individuals affected with ARFGEF2-related conditions. ClinVar contains an entry for this variant (Variation ID: 2116828). Algorithms developed to predict the effect of sequence changes on RNA splicing suggest that this variant may create or strengthen a splice site. In summary, the available evidence is currently insufficient to determine the role of this variant in disease. Therefore, it has been classified as a Variant of Uncertain Significance.

NM_006420.3(ARFGEF2):c.1190+19T>C

Gene: ARFGEF2 (ARF guanine nucleotide exchange factor 2; plus strand). Cytogenetic location: 20q13.13.
Variant type: single nucleotide variant.
Coding change: c.1190+19T>C on transcript NM_006420.3 (MANE Select); 19 bases into the intron after coding-DNA position 1190, T replaced by C.
Molecular consequence: intron variant.
Genome position (GRCh38, 1-based): chr20:48,969,296, T>C. VCF-style: chr20-48969296-T-C. GRCh37 (hg19) VCF-style: chr20-47585833-T-C.
Identifiers: ClinVar variation 2116828 (VCV002116828.4), dbSNP rs2516076436, ClinGen allele CA2580098260.